The following is an entry in ClinVar:

NM_002715.4(PPP2CA):c.455A>G (p.Tyr152Cys)

Gene: PPP2CA (protein phosphatase 2 catalytic subunit alpha; minus strand). Cytogenetic location: 5q31.1.
Variant type: single nucleotide variant.
Coding change: c.455A>G on transcript NM_002715.4 (MANE Select); coding-DNA position 455, A replaced by G.
Protein change: p.Tyr152Cys; replaces tyrosine 152 with cysteine.
Molecular consequence: missense variant. On other transcripts: non-coding transcript variant (1).
Genome position (GRCh38, 1-based): chr5:134,201,879, T>C on the plus strand (A>G on the coding strand, the complement: PPP2CA is on the minus strand). VCF-style: chr5-134201879-T-C. GRCh37 (hg19) VCF-style: chr5-133537570-T-C.
Other names: c.455A>G (NM_002715.2); c.260A>G, p.Tyr87Cys (NM_001355019.2); short protein forms Y152C, Y87C.
Identifiers: ClinVar variation 2878265 (VCV002878265.11), dbSNP rs2481051268, ClinGen allele CA360992952.
Genomic context (GRCh38, chr5:134,201,879, plus strand): 5'-AATCAGCAATGAGTTTTAGATCCACATACCTGCCCATCCACCAAGGCAGTGAGAGGAAGA[T>C]AGTCAAAAAGATCTGTAAAATATTTCCAAACATTTGCATTTCCATATTTTCTTAAACATT-3'
Protein context (NP_002706.1, residues 142-162): VWKYFTDLFD[Tyr152Cys]LPLTALVDGQ

ClinVar aggregate classification (germline): Uncertain significance. Review status: criteria provided, multiple submitters, no conflicts (2 of 4 stars). 3 submissions from 3 submitters: Uncertain significance (3). Last evaluated 2025-07-01.

Allele frequency attached by ClinVar (database versions not stated): gnomAD exomes below 0.00001.
gnomAD v4.1: 2 of 1,613,832 alleles (0.00012%); highest among the groups gnomAD compares: Non-Finnish European, 0.00017%; no homozygotes.

Submissions (3):

CeGaT Center for Human Genetics Tuebingen
Classification: Uncertain significance. Last evaluated: 2025-07-01. Review status: criteria provided, single submitter. Criteria: CeGaT Center For Human Genetics Tuebingen Variant Classification Criteria Version 2. Collection method: clinical testing. Allele origin: germline. Affected: yes. Observed: 1 variant allele.
Comment: PPP2CA: PP2, BP4

GeneDx
Classification: Uncertain significance. Last evaluated: 2025-04-05. Review status: criteria provided, single submitter. Criteria: GeneDx Variant Classification Process June 2021. Collection method: clinical testing. Allele origin: germline. Affected: yes.
Comment: Not observed at significant frequency in large population cohorts (gnomAD); In silico analysis supports that this missense variant has a deleterious effect on protein structure/function; Has not been previously published as pathogenic or benign to our knowledge

Labcorp Genetics (formerly Invitae), Labcorp
Classification: Uncertain significance. Last evaluated: 2023-12-18. Review status: criteria provided, single submitter. Criteria: Invitae Variant Classification Sherloc (09022015). Collection method: clinical testing. Allele origin: germline.
Comment: This sequence change replaces tyrosine, which is neutral and polar, with cysteine, which is neutral and slightly polar, at codon 152 of the PPP2CA protein (p.Tyr152Cys). This variant is not present in population databases (gnomAD no frequency). This variant has not been reported in the literature in individuals affected with PPP2CA-related conditions. Advanced modeling of protein sequence and biophysical properties (such as structural, functional, and spatial information, amino acid conservation, physicochemical variation, residue mobility, and thermodynamic stability) performed at Invitae indicates that this missense variant is not expected to disrupt PPP2CA protein function with a negative predictive value of 80%. In summary, the available evidence is currently insufficient to determine the role of this variant in disease. Therefore, it has been classified as a Variant of Uncertain Significance.